The following is an entry in ClinVar:

NM_002292.4(LAMB2):c.4741C>T (p.Arg1581Cys)

Gene: LAMB2 (laminin subunit beta 2; minus strand). Cytogenetic location: 3p21.31.
Variant type: single nucleotide variant.
Coding change: c.4741C>T on transcript NM_002292.4 (MANE Select); coding-DNA position 4741, C replaced by T.
Protein change: p.Arg1581Cys; replaces arginine 1581 with cysteine.
Molecular consequence: missense variant.
Genome position (GRCh38, 1-based): chr3:49,122,203, G>A on the plus strand (C>T on the coding strand, the complement: LAMB2 is on the minus strand). VCF-style: chr3-49122203-G-A. GRCh37 (hg19) VCF-style: chr3-49159636-G-A.
Other names: short protein forms R1581C.
Identifiers: ClinVar variation 1011781 (VCV001011781.6), dbSNP rs374187759, ClinGen allele CA2393721.
Genomic context (GRCh38, chr3:49,122,203, plus strand): 5'-GGCCAGGGATGGGGTCAGACCTTGCCCGCCGTGCATCCTGCAGTAGCTGCTCGGCACGAC[G>A]CACATCTCCTACAGTACGTGCCAGGATCGCATCCACATCTGCCAGGCTCCGGACTCGCTC-3'
Protein context (NP_002283.3, residues 1571-1591): AILARTVGDV[Arg1581Cys]RAEQLLQDAR

ClinVar aggregate classification (germline): Uncertain significance. Review status: criteria provided, multiple submitters, no conflicts (2 of 4 stars). 2 submissions from 2 submitters: Uncertain significance (2). Last evaluated 2024-05-28.

Conditions:
Pierson syndrome. Also called: MICROCORIA-CONGENITAL NEPHROTIC SYNDROME. Identifiers: Orphanet 2670, MedGen C1836876, MONDO:0012184, OMIM 609049.
LAMB2-related infantile-onset nephrotic syndrome. Also called: NEPHROTIC SYNDROME, TYPE 5, WITHOUT OCULAR ABNORMALITIES; NEPHROTIC SYNDROME, TYPE 5, WITH OCULAR ABNORMALITIES; Nephrotic Syndrome, type 5. Identifiers: Orphanet 306507, MedGen C3280113, MONDO:0013621, OMIM 614199.

Allele frequency attached by ClinVar (database versions not stated): gnomAD exomes 0.00001; ExAC 0.00002; TOPMed 0.00002; ESP Exome Variant Server 0.00008.
gnomAD v4.1: 8 of 1,613,460 alleles (0.0005%); highest among the groups gnomAD compares: Admixed American, 0.0017%; no homozygotes.

Submissions (2):

Fulgent Genetics
Classification: Uncertain significance for Pierson syndrome; LAMB2-related infantile-onset nephrotic syndrome. Last evaluated: 2024-05-28. Review status: criteria provided, single submitter. Criteria: ACMG Guidelines, 2015. Collection method: clinical testing. Allele origin: germline.

Labcorp Genetics (formerly Invitae), Labcorp
Classification: Uncertain significance for LAMB2-related infantile-onset nephrotic syndrome; Pierson syndrome. Last evaluated: 2020-01-31. Review status: criteria provided, single submitter. Criteria: Invitae Variant Classification Sherloc (09022015). Collection method: clinical testing. Allele origin: germline.
Comment: This variant has not been reported in the literature in individuals with LAMB2-related conditions. This sequence change replaces arginine with cysteine at codon 1581 of the LAMB2 protein (p.Arg1581Cys). The arginine residue is highly conserved and there is a large physicochemical difference between arginine and cysteine. This variant is present in population databases (rs374187759, ExAC 0.003%). Algorithms developed to predict the effect of missense changes on protein structure and function (SIFT, PolyPhen-2, Align-GVGD) all suggest that this variant is likely to be disruptive, but these predictions have not been confirmed by published functional studies and their clinical significance is uncertain. In summary, the available evidence is currently insufficient to determine the role of this variant in disease. Therefore, it has been classified as a Variant of Uncertain Significance.